The following is an entry in ClinVar:

NM_000222.3(KIT):c.2484+1G>A

Gene: KIT (KIT proto-oncogene, receptor tyrosine kinase; plus strand). Cytogenetic location: 4q12.
Variant type: single nucleotide variant.
Coding change: c.2484+1G>A on transcript NM_000222.3 (MANE Select); the canonical splice donor site of the intron after coding-DNA position 2484, G replaced by A.
Molecular consequence: splice donor variant.
Genome position (GRCh38, 1-based): chr4:54,733,193, G>A. VCF-style: chr4-54733193-G-A. GRCh37 (hg19) VCF-style: chr4-55599359-G-A.
Other names: c.2487+1G>A (NM_001385284.1); c.2484+1G>A (NM_001385290.1); c.2475+1G>A (NM_001385288.1); c.2472+1G>A (NM_001385292.1, NM_001093772.2); c.2481+1G>A (NM_001385285.1); c.2469+1G>A (NM_001385286.1).
Identifiers: ClinVar variation 3342507 (VCV003342507.1).

ClinVar aggregate classification (germline): Pathogenic (1 of 4 stars; one submission).

Submission:

GeneDx
Classification: Pathogenic. Last evaluated: 2024-03-28. Review status: criteria provided, single submitter. Criteria: GeneDx Variant Classification Process June 2021. Collection method: clinical testing. Allele origin: germline. Affected: yes.
Comment: Canonical splice site variant predicted to result in an in-frame loss of the adjacent exon in a gene for which loss of function is a known mechanism of disease; Observed in individuals with a personal and/or family history consistent with pathogenic variants in this gene referred for genetic testing at GeneDx and in the published literature (PMID: 24000325); Not observed at significant frequency in large population cohorts (gnomAD); This variant is associated with the following publications: (PMID: 24000325)